The following is an entry in ClinVar:

NM_001330260.2(SCN8A):c.5514C>T (p.Ser1838=)

Gene: SCN8A (sodium voltage-gated channel alpha subunit 8; plus strand). Cytogenetic location: 12q13.13.
Variant type: single nucleotide variant.
Coding change: c.5514C>T on transcript NM_001330260.2 (MANE Select); coding-DNA position 5514, C replaced by T.
Protein change: p.Ser1838=; no amino-acid change (serine 1838 retained).
Molecular consequence: synonymous variant.
Genome position (GRCh38, 1-based): chr12:51,807,000, C>T. VCF-style: chr12-51807000-C-T. GRCh37 (hg19) VCF-style: chr12-52200784-C-T.
Other names: c.5391C>T, p.Ser1797= (NM_001177984.3, NM_001369788.1); c.5514C>T, p.Ser1838= (NM_014191.4).
Identifiers: ClinVar variation 378563 (VCV000378563.20), dbSNP rs372388512, ClinGen allele CA6571927.

ClinVar aggregate classification (germline): Benign/Likely benign. Review status: criteria provided, multiple submitters, no conflicts (2 of 4 stars). 5 submissions from 5 submitters: Benign (2); Likely benign (3). Last evaluated 2026-03-01.

Conditions:
Early-infantile DEE. Also called: Ohtahara syndrome; Early infantile epileptic encephalopathy with suppression bursts; Early infantile epileptic encephalopathy. Identifiers: Orphanet 1934, MedGen C0393706, MONDO:0800491.
Inborn genetic diseases. Identifiers: MedGen C0950123, MeSH D030342.

Allele frequency attached by ClinVar (database versions not stated): gnomAD exomes 0.00004 and 0.00011; ExAC 0.00013; gnomAD 0.00044 and 0.00045; 1000 Genomes Project 30x 0.00047; TOPMed 0.00055; 1000 Genomes Project 0.00060; ESP Exome Variant Server 0.00094.
gnomAD v4.1: 134 of 1,613,992 alleles (0.0083%); highest among the groups gnomAD compares: African/African-American, 0.13%; 1 homozygote.

Submissions (5):

CeGaT Center for Human Genetics Tuebingen
Classification: Likely benign. Last evaluated: 2026-03-01. Review status: criteria provided, single submitter. Criteria: CeGaT Center For Human Genetics Tuebingen Variant Classification Criteria Version 2. Collection method: clinical testing. Allele origin: germline. Affected: yes. Observed: 1 variant allele.
Comment: SCN8A: BP4, BP7, BS1

Labcorp Genetics (formerly Invitae), Labcorp
Classification: Benign for Early-infantile DEE. Last evaluated: 2026-01-05. Review status: criteria provided, single submitter. Criteria: Invitae Variant Classification Sherloc (09022015). Collection method: clinical testing. Allele origin: germline.

Blueprint Genetics
Classification: Likely benign. Last evaluated: 2024-06-25. Review status: criteria provided, single submitter. Criteria: ACMG Guidelines, 2015. Collection method: clinical testing. Allele origin: germline.

Ambry Genetics
Classification: Likely benign for Inborn genetic diseases. Last evaluated: 2017-06-22. Review status: criteria provided, single submitter. Criteria: Ambry Variant Classification Scheme 2023. Collection method: clinical testing. Allele origin: germline.

GeneDx
Classification: Benign. Last evaluated: 2015-09-04. Review status: criteria provided, single submitter. Criteria: GeneDx Variant Classification (06012015). Collection method: clinical testing. Allele origin: germline. Affected: yes.
Comment: This variant is considered likely benign or benign based on one or more of the following criteria: it is a conservative change, it occurs at a poorly conserved position in the protein, it is predicted to be benign by multiple in silico algorithms, and/or has population frequency not consistent with disease.